The following is an entry in ClinVar:

NM_004287.5(GOSR2):c.409A>G (p.Met137Val)

Genes: GOSR2 (golgi SNAP receptor complex member 2; plus strand), LRRC37A2 (leucine rich repeat containing 37 member A2). Cytogenetic location: 17q21.32.
Variant type: single nucleotide variant.
Coding change: c.409A>G on transcript NM_004287.5 (MANE Select); coding-DNA position 409, A replaced by G.
Protein change: p.Met137Val; replaces methionine 137 with valine.
Molecular consequence: missense variant. On other transcripts: non-coding transcript variant (1), intron variant (4).
Genome position (GRCh38, 1-based): chr17:46,935,101, A>G. VCF-style: chr17-46935101-A-G. GRCh37 (hg19) VCF-style: chr17-45012467-A-G.
Other names: c.409A>G, p.Met137Val (NM_001012511.3, NM_001321133.2, NM_054022.4); c.406A>G, p.Met136Val (NM_001353114.2); c.355A>G, p.Met119Val (NM_001363851.2); c.282+2902A>G (NM_001321134.2); c.336+2902A>G (NM_001330252.2); c.333+2902A>G (NM_001353115.2, NM_001353116.2); short protein forms M119V, M136V, M137V.
Identifiers: ClinVar variation 3361998 (VCV003361998.1).
Genomic context (GRCh38, chr17:46,935,101, plus strand): 5'-ACCATACCAATGGACGAATCACTGCAGTTTAACTCCTCCCTCCAGAAAGTTCACAACGGC[A>G]TGGATGACCTCATTTTAGATGGGCACAATATTTTAGATGGACTGAGGACCCAGAGACTGA-3'
Protein context (NP_004278.2, residues 127-147): NSSLQKVHNG[Met137Val]DDLILDGHNI

ClinVar aggregate classification (germline): Uncertain significance (1 of 4 stars; one submission).

gnomAD v4.1: 2 of 1,613,604 alleles (0.00012%); highest among the groups gnomAD compares: Non-Finnish European, 0.00017%; no homozygotes.

Submission:

GeneDx
Classification: Uncertain significance. Last evaluated: 2023-05-26. Review status: criteria provided, single submitter. Criteria: GeneDx Variant Classification Process June 2021. Collection method: clinical testing. Allele origin: germline. Affected: yes.
Comment: Not observed at significant frequency in large population cohorts (gnomAD); In silico analysis supports that this missense variant does not alter protein structure/function; Has not been previously published as pathogenic or benign to our knowledge